The following is an entry in ClinVar:

NM_015261.3(NCAPD3):c.3411C>T (p.Asp1137=)

Gene: NCAPD3 (non-SMC condensin II complex subunit D3; minus strand). Cytogenetic location: 11q25.
Variant type: single nucleotide variant.
Coding change: c.3411C>T on transcript NM_015261.3 (MANE Select); coding-DNA position 3411, C replaced by T.
Protein change: p.Asp1137=; no amino-acid change (aspartic acid 1137 retained).
Molecular consequence: synonymous variant.
Genome position (GRCh38, 1-based): chr11:134,168,158, G>A on the plus strand (C>T on the coding strand, the complement: NCAPD3 is on the minus strand). VCF-style: chr11-134168158-G-A. GRCh37 (hg19) VCF-style: chr11-134038053-G-A.
Other names: c.2997C>T, p.Asp999= (NM_001372069.1, NM_001372070.1); c.3411C>T, p.Asp1137= (NM_001372065.1, NM_001372068.1).
Identifiers: ClinVar variation 3033842 (VCV003033842.2), dbSNP rs376286698, ClinGen allele CA6370849.

ClinVar aggregate classification (germline): Likely benign (0 of 4 stars; one submission).

Conditions:
NCAPD3-related disorder. Also called: NCAPD3-related condition.

Allele frequency attached by ClinVar (database versions not stated): ExAC 0.00001; gnomAD exomes 0.00003; gnomAD 0.00005; TOPMed 0.00006; ESP Exome Variant Server 0.00015.

Submission:

PreventionGenetics, part of Exact Sciences
Classification: Likely benign for NCAPD3-related condition. Last evaluated: 2019-06-19. Review status: no assertion criteria provided. Collection method: clinical testing. Allele origin: germline.
Comment: This variant is classified as likely benign based on ACMG/AMP sequence variant interpretation guidelines (Richards et al. 2015 PMID: 25741868, with internal and published modifications).